The following is an entry in ClinVar:

ClinVar aggregate classification (germline): Pathogenic. Review status: reviewed by expert panel (3 of 4 stars). 5 submissions from 5 submitters: Pathogenic (1). 4 of the submissions do not count toward it. Last evaluated 2016-04-22.

Conditions:
Hereditary cancer-predisposing syndrome. Also called: Tumor predisposition; Neoplastic Syndromes, Hereditary; Hereditary Cancer Syndrome; Hereditary neoplastic syndrome. Identifiers: Orphanet 140162, MedGen C0027672, MeSH D009386, MONDO:0015356.
Hereditary breast ovarian cancer syndrome. Also called: Hereditary breast and ovarian cancer syndrome (HBOC); Hereditary breast and ovarian cancer syndrome; Hereditary breast and ovarian cancer; Hereditary breast and/or ovarian cancer syndrome; Breast and ovarian cancer; BRCA1- and BRCA2-Associated Hereditary Breast and Ovarian Cancer. Identifiers: Orphanet 145, MedGen C0677776, MeSH D061325, MONDO:0003582. Disease mechanism: loss of function.
Breast-ovarian cancer, familial, susceptibility to, 1 (BROVCA1). Also called: OVARIAN CANCER, SUSCEPTIBILITY TO; BRCA1 Hereditary Breast and Ovarian Cancer. Identifiers: Orphanet 145, MedGen C2676676, MONDO:0011450, OMIM 604370. Disease mechanism: loss of function.

Submissions (5):

Evidence-based Network for the Interpretation of Germline Mutant Alleles (ENIGMA)
Classification: Pathogenic for Breast-ovarian cancer, familial, susceptibility to, 1. Last evaluated: 2016-04-22. Review status: reviewed by expert panel. Criteria: ENIGMA BRCA1/2 Classification Criteria (2015). Collection method: curation. Allele origin: germline.
Comment: Variant allele predicted to encode a truncated non-functional protein.

Labcorp Genetics (formerly Invitae), Labcorp
Classification: Pathogenic for Hereditary breast ovarian cancer syndrome. Last evaluated: 2022-11-27. Review status: criteria provided, single submitter. Criteria: Invitae Variant Classification Sherloc (09022015). Collection method: clinical testing. Allele origin: germline. Not counted in ClinVar's aggregate classification.
Comment: For these reasons, this variant has been classified as Pathogenic. This sequence change creates a premature translational stop signal (p.Ser886Cysfs*16) in the BRCA1 gene. It is expected to result in an absent or disrupted protein product. Loss-of-function variants in BRCA1 are known to be pathogenic (PMID: 20104584). This variant is not present in population databases (gnomAD no frequency). This premature translational stop signal has been observed in individual(s) with a personal and/or family history of breast and/or ovarian cancer (PMID: 10486320). ClinVar contains an entry for this variant (Variation ID: 54629).

Consortium of Investigators of Modifiers of BRCA1/2 (CIMBA), c/o University of Cambridge
Classification: Pathogenic for Breast-ovarian cancer, familial, susceptibility to, 1. Last evaluated: 2015-10-02. Review status: criteria provided, single submitter. Criteria: CIMBA Mutation Classification guidelines May 2016. Collection method: clinical testing. Allele origin: germline. Not counted in ClinVar's aggregate classification.

Ambry Genetics
Classification: Pathogenic for Hereditary cancer-predisposing syndrome. Last evaluated: 2014-11-04. Review status: criteria provided, single submitter. Criteria: Ambry Variant Classification Scheme 2023. Collection method: clinical testing. Allele origin: germline. Not counted in ClinVar's aggregate classification.
Comment: The c.2657_2658delCT pathogenic mutation (also known as 2774delCT and 2776delCT), located in coding exon 9 of the BRCA1 gene, results from a deletion of two nucleotides between positions 2657 and 2658, causing a translational frameshift with a predicted alternate stop codon. This mutation has been reported in a family with hereditary breast and ovarian cancer (Gayther SA, Am. J. Hum. Genet. 1999 Oct; 65(4):1021-9). In addition to the clinical data presented in the literature, since frameshifts are typically deleterious in nature, this alteration is interpreted as a disease-causing mutation (ACMG Recommendations for Standards for Interpretation and Reporting of Sequence Variations. Revision 2007. Genet Med. 2008;10:294).

Research Molecular Genetics Laboratory, Women's College Hospital, University of Toronto
Classification: Pathogenic for Hereditary breast ovarian cancer syndrome. Last evaluated: 2014-01-31. Review status: no assertion criteria provided. Collection method: research. Allele origin: germline. Affected: yes. Study: The Canadian Open Genetics Repository (COGR). Not counted in ClinVar's aggregate classification.

Literature cited by the submitters: PubMed 20104584 (cited by Labcorp Genetics (formerly Invitae), Labcorp); PubMed 10486320 (cited by Labcorp Genetics (formerly Invitae), Labcorp and Ambry Genetics).

NM_007294.4(BRCA1):c.2657_2658del (p.Ser886fs)

Gene: BRCA1 (BRCA1 DNA repair associated; minus strand). Cytogenetic location: 17q21.31.
Variant type: Microsatellite.
Coding change: c.2657_2658del on transcript NM_007294.4 (MANE Select); coding-DNA positions 2657 to 2658, 2 bases deleted (CT; older notation c.2657_2658delCT).
Protein change: p.Ser886fs; shifts the reading frame from serine 886.
Molecular consequence: frameshift variant. On other transcripts: intron variant (137).
Genome position (GRCh38, 1-based): chr17:43,092,873-43,092,874, AG deleted on the plus strand (CT on the coding strand, the reverse complement: BRCA1 is on the minus strand); deleting any 2 consecutive bases within chr17:43,092,873-43,092,877 gives the same sequence; the c. name uses the placement nearest the transcript's 3' end. VCF-style (leftmost placement, unchanged base first): chr17-43092872-CAG-C. GRCh37 (hg19) VCF-style: chr17-41244889-CAG-C.
Other names: 2776_2777delCT; c.2657_2658delCT (NM_007294.3); c.2444_2445del, p.Ser815fs (NM_001407571.1, NM_001407853.1, NM_001407894.1 and 9 more transcripts); c.2657_2658del, p.Ser886fs (NM_001407581.1, NM_001407582.1, NM_001407583.1 and 30 more transcripts); c.2654_2655del, p.Ser885fs (NM_001407587.1, NM_001407590.1, NM_001407591.1 and 22 more transcripts); c.2648_2649del, p.Ser883fs (NM_001407646.1, NM_001407647.1); c.2534_2535del, p.Ser845fs (NM_001407648.1, NM_001407664.1, NM_001407665.1 and 19 more transcripts); c.2531_2532del, p.Ser844fs (NM_001407649.1, NM_001407670.1, NM_001407671.1 and 11 more transcripts); and 43 more; short protein forms S886fs, S839fs, S718fs, S759fs, S774fs, S797fs, S815fs, S844fs.
Identifiers: ClinVar variation 54629 (VCV000054629.18), dbSNP rs397508990, ClinGen allele CA001738.
Genomic context (GRCh38, chr17:43,092,872, plus strand): 5'-CCTTTTGTTCACATTCAAAAGTGACTTTTGGACTTTGTTTCTTTAAGGACCCAGAGTGGG[CAG>C]AGAATGTTGCACATTCCTCTTCTGCATTTCCTGGATTTGAAAACGGAGCAAATGACTGGC-3'